The following is an entry in ClinVar:

NM_182961.4(SYNE1):c.4723C>T (p.Leu1575Phe)

Gene: SYNE1 (spectrin repeat containing nuclear envelope protein 1; minus strand). Cytogenetic location: 6q25.2.
Variant type: single nucleotide variant.
Coding change: c.4723C>T on transcript NM_182961.4 (MANE Select); coding-DNA position 4723, C replaced by T.
Protein change: p.Leu1575Phe; replaces leucine 1575 with phenylalanine.
Molecular consequence: missense variant.
Genome position (GRCh38, 1-based): chr6:152,430,177, G>A on the plus strand (C>T on the coding strand, the complement: SYNE1 is on the minus strand). VCF-style: chr6-152430177-G-A. GRCh37 (hg19) VCF-style: chr6-152751312-G-A.
Other names: c.4744C>T, p.Leu1582Phe (NM_033071.5); c.4723C>T (NM_182961.2); short protein forms L1575F, L1582F.
Identifiers: ClinVar variation 283666 (VCV000283666.47), dbSNP rs200424447, ClinGen allele CA4058480.
Genomic context (GRCh38, chr6:152,430,177, plus strand): 5'-GTTCTTGAAGAACTTTGTATGTTTCTGTAGCTGAAGAACATATTTTAATTGGAACAGCAA[G>A]TTTATCTTCAAATTCAGACACAGATTGCTGGATCTAAAACATTGGTGCAATATAAAAATA-3'
Protein context (NP_892006.3, residues 1565-1585): QQSVSEFEDK[Leu1575Phe]AVPIKICSSA

ClinVar aggregate classification (germline): Conflicting classifications of pathogenicity. Review status: criteria provided, conflicting classifications (1 of 4 stars). 9 submissions from 9 submitters: Uncertain significance (3); Benign (1); Likely benign (4). 1 of the submissions does not count toward it. Last evaluated 2025-12-03.

Conditions:
SYNE1-related disorder. Also called: SYNE1-related disorders; SYNE1-related disease; SYNE1-related condition.
Autosomal recessive ataxia, Beauce type. Also called: ATAXIA, RECESSIVE, OF BEAUCE; Spinocerebellar ataxia, autosomal recessive 8; SYNE1-Related Autosomal Recessive Cerebellar Ataxia; SYNE1 Deficiency. Identifiers: Orphanet 88644, MedGen C1853116, MONDO:0012549, OMIM 610743.
Emery-Dreifuss muscular dystrophy 4, autosomal dominant (EDMD4). Also called: EMERY-DREIFUSS MUSCULAR DYSTROPHY 4 WITH VARIABLE FEATURES. Identifiers: Orphanet 261, MedGen C2751807, MONDO:0013071, OMIM 612998.

Allele frequency attached by ClinVar (database versions not stated): gnomAD 0.00015; TOPMed 0.00028; gnomAD exomes 0.00051; 1000 Genomes Project 0.00060; ExAC 0.00062; 1000 Genomes Project 30x 0.00094.
gnomAD v4.1: 174 of 1,604,858 alleles (0.011%); highest among the groups gnomAD compares: East Asian, 0.36%; 4 homozygotes.

Submissions (9):

Labcorp Genetics (formerly Invitae), Labcorp
Classification: Likely benign for Emery-Dreifuss muscular dystrophy 4, autosomal dominant; Autosomal recessive ataxia, Beauce type. Last evaluated: 2025-12-03. Review status: criteria provided, single submitter. Criteria: Invitae Variant Classification Sherloc (09022015). Collection method: clinical testing. Allele origin: germline.

Blueprint Genetics
Classification: Uncertain significance. Last evaluated: 2024-10-08. Review status: criteria provided, single submitter. Criteria: ACMG Guidelines, 2015. Collection method: clinical testing. Allele origin: germline.

Athena Diagnostics
Classification: Benign. Last evaluated: 2024-07-12. Review status: criteria provided, single submitter. Criteria: Athena Diagnostics Criteria. Collection method: clinical testing. Allele origin: unknown.

Revvity Omics, Revvity
Classification: Likely benign. Last evaluated: 2023-10-20. Review status: criteria provided, single submitter. Criteria: ACMG Guidelines, 2015. Collection method: clinical testing. Allele origin: germline.

Women's Health and Genetics/Laboratory Corporation of America, LabCorp
Classification: Likely benign. Last evaluated: 2023-07-13. Review status: criteria provided, single submitter. Criteria: LabCorp Variant Classification Summary - May 2015. Collection method: clinical testing. Allele origin: germline.
Comment: Variant summary: SYNE1 c.4744C>T (p.Leu1582Phe) results in a non-conservative amino acid change in the encoded protein sequence. Three of four in-silico tools predict a damaging effect of the variant on protein function. The variant allele was found at a frequency of 0.00051 in 238930 control chromosomes, predominantly at a frequency of 0.0065 within the East Asian subpopulation in the gnomAD database, including 1 homozygote, suggesting that the variant is a benign polymorphism found primarily in populations of East Asian origin. The following publication has been ascertained in the context of this evaluation (PMID: 30993396). Four submitters have cited clinical-significance assessments for this variant to ClinVar after 2014 and classified the variant as either VUS (n=3) or likely benign (n=1). Based on the evidence outlined above, the variant was classified as likely benign.

CeGaT Center for Human Genetics Tuebingen
Classification: Likely benign. Last evaluated: 2023-01-01. Review status: criteria provided, single submitter. Criteria: CeGaT Center For Human Genetics Tuebingen Variant Classification Criteria Version 2. Collection method: clinical testing. Allele origin: germline. Affected: yes. Observed: 1 variant allele.
Comment: SYNE1: BP4

GeneDx
Classification: Uncertain significance. Last evaluated: 2017-07-18. Review status: criteria provided, single submitter. Criteria: GeneDx Variant Classification (06012015). Collection method: clinical testing. Allele origin: germline. Affected: yes.
Comment: The L1582F variant has not been published as a pathogenic variant, nor has it been reported as a benign variant to our knowledge. The L1582F variant is observed in 47/6,882 (0.68%) alleles from individuals of East Asian background, including 1 homozygous individual in large population cohorts (Lek et al., 2016; 1000 Genomes Consortium et al., 2015; Exome Variant Server). This variant is a conservative amino acid substitution, which is not likely to impact secondary protein structure as these residues share similar properties. However, this substitution occurs at a position that is conserved across species, and in silico analysis predicts this variant is probably damaging to the protein structure/function.

Eurofins Ntd Llc (ga)
Classification: Uncertain significance. Last evaluated: 2015-10-09. Review status: criteria provided, single submitter. Criteria: EGL Classification Definitions 2015. Collection method: clinical testing. Allele origin: germline. Observed: 1 variant allele, 1 heterozygote.

PreventionGenetics, part of Exact Sciences
Classification: Likely benign for SYNE1-related condition. Last evaluated: 2021-07-27. Review status: no assertion criteria provided. Collection method: clinical testing. Allele origin: germline. Not counted in ClinVar's aggregate classification.
Comment: This variant is classified as likely benign based on ACMG/AMP sequence variant interpretation guidelines (Richards et al. 2015 PMID: 25741868, with internal and published modifications).

Literature cited by the submitters: PubMed 30993396 (cited by Athena Diagnostics and Women's Health and Genetics/Laboratory Corporation of America, LabCorp); PubMed 29132927 (cited by Athena Diagnostics).